The following is an entry in ClinVar:

ClinVar aggregate classification (germline): Pathogenic (1 of 4 stars; one submission).

Conditions:
Aspartylglucosaminuria (AGU). Also called: GLYCOASPARAGINASE; GLYCOSYLASPARAGINASE DEFICIENCY; AGA DEFICIENCY; Aspartylglucos-aminuria; Aspartylglucos-amidase (AGA) deficiency. Identifiers: Orphanet 93, MedGen C0268225, MONDO:0008830, OMIM 208400, HP:0012068.

Submission:

Labcorp Genetics (formerly Invitae), Labcorp
Classification: Pathogenic for Aspartylglucosaminuria. Last evaluated: 2022-08-06. Review status: criteria provided, single submitter. Criteria: Invitae Variant Classification Sherloc (09022015). Collection method: clinical testing. Allele origin: germline.
Comment: This variant is a gross deletion of the genomic region encompassing exon(s) 1-6 of the AGA gene, which includes the initiator codon. This deletion extends beyond the assayed region for this gene and therefore may encompass additional genes. It is expected to result in an absent or disrupted protein product. Loss-of-function variants in AGA are known to be pathogenic (PMID: 7627186, 11309371). This variant has not been reported in the literature in individuals affected with AGA-related conditions. For these reasons, this variant has been classified as Pathogenic.

Literature cited by the submitters: PubMed 7627186; PubMed 11309371.

NC_000004.11:g.(?_178357420)_(178363667_?)del

Gene: AGA (aspartylglucosaminidase; minus strand). Cytogenetic location: 4q34.3.
Variant type: Deletion.
Identifiers: ClinVar variation 2422151 (VCV002422151.3).